The following is an entry in ClinVar:

NM_018979.4(WNK1):c.4543A>G (p.Thr1515Ala)

Gene: WNK1 (WNK lysine deficient protein kinase 1; plus strand). Cytogenetic location: 12p13.33.
Variant type: single nucleotide variant.
Coding change: c.4543A>G on transcript NM_018979.4 (MANE Select); coding-DNA position 4543, A replaced by G.
Protein change: p.Thr1515Ala; replaces threonine 1515 with alanine.
Molecular consequence: missense variant.
Genome position (GRCh38, 1-based): chr12:885,347, A>G. VCF-style: chr12-885347-A-G. GRCh37 (hg19) VCF-style: chr12-994513-A-G.
Other names: c.5323A>G, p.Thr1775Ala (NM_001184985.2); c.3802A>G, p.Thr1268Ala (NM_014823.3); c.5299A>G, p.Thr1767Ala (NM_213655.5); short protein forms T1767A, T1268A, T1515A, T1775A.
Identifiers: ClinVar variation 2940322 (VCV002940322.3), dbSNP rs886988443, ClinGen allele CA231479252.

ClinVar aggregate classification (germline): Uncertain significance (1 of 4 stars; one submission).

Conditions:
Neuropathy, hereditary sensory and autonomic, type 2A (HSAN2A). Also called: ACROOSTEOLYSIS, GIACCAI TYPE; ACROOSTEOLYSIS, NEUROGENIC; MORVAN DISEASE; NEUROPATHY, CONGENITAL SENSORY; NEUROPATHY, HEREDITARY SENSORY RADICULAR, AUTOSOMAL RECESSIVE; NEUROPATHY, HEREDITARY SENSORY, TYPE IIA. Identifiers: Orphanet 970, MedGen C2752089, MONDO:0024309, OMIM 201300.
Pseudohypoaldosteronism type 2C (PHA2C). Also called: Pseudohypoaldosteronism Type IIC. Identifiers: Orphanet 757, Orphanet 88940, MedGen C1840391, MONDO:0013778, OMIM 614492.

Allele frequency attached by ClinVar (database versions not stated): gnomAD exomes below 0.00001; TOPMed 0.00002.
gnomAD v4.1: 2 of 1,613,910 alleles (0.00012%); highest among the groups gnomAD compares: East Asian, 0.0022%; no homozygotes.

Submission:

Labcorp Genetics (formerly Invitae), Labcorp
Classification: Uncertain significance for Neuropathy, hereditary sensory and autonomic, type 2A; Pseudohypoaldosteronism type 2C. Last evaluated: 2023-03-07. Review status: criteria provided, single submitter. Criteria: Invitae Variant Classification Sherloc (09022015). Collection method: clinical testing. Allele origin: germline.
Comment: This variant is present in population databases (no rsID available, gnomAD 0.006%). This variant has not been reported in the literature in individuals affected with WNK1-related conditions. Advanced modeling of protein sequence and biophysical properties (such as structural, functional, and spatial information, amino acid conservation, physicochemical variation, residue mobility, and thermodynamic stability) performed at Invitae indicates that this missense variant is not expected to disrupt WNK1 protein function. In summary, the available evidence is currently insufficient to determine the role of this variant in disease. Therefore, it has been classified as a Variant of Uncertain Significance. This sequence change replaces threonine, which is neutral and polar, with alanine, which is neutral and non-polar, at codon 1767 of the WNK1 protein (p.Thr1767Ala).